The following is an entry in ClinVar:

ClinVar aggregate classification (germline): Uncertain significance (1 of 4 stars; one submission).

Allele frequency attached by ClinVar (database versions not stated): gnomAD exomes below 0.00001.
gnomAD v4.1: 1 of 1,612,858 alleles (0.000062%); highest among the groups gnomAD compares: East Asian, 0.0022%; no homozygotes.

Submission:

Labcorp Genetics (formerly Invitae), Labcorp
Classification: Uncertain significance. Last evaluated: 2025-01-23. Review status: criteria provided, single submitter. Criteria: Invitae Variant Classification Sherloc (09022015). Collection method: clinical testing. Allele origin: germline.
Comment: This sequence change falls in intron 2 of the CFB gene. It does not directly change the encoded amino acid sequence of the CFB protein. This variant is present in population databases (no rsID available, gnomAD 0.003%). This variant has not been reported in the literature in individuals affected with CFB-related conditions. ClinVar contains an entry for this variant (Variation ID: 2803421). Algorithms developed to predict the effect of sequence changes on RNA splicing suggest that this variant may disrupt the consensus splice site. In summary, the available evidence is currently insufficient to determine the role of this variant in disease. Therefore, it has been classified as a Variant of Uncertain Significance.

NM_001710.6(CFB):c.299-20C>G

Gene: CFB (complement factor B; plus strand). Cytogenetic location: 6p21.33.
Variant type: single nucleotide variant.
Coding change: c.299-20C>G on transcript NM_001710.6 (MANE Select); 20 bases into the intron before coding-DNA position 299, C replaced by G.
Molecular consequence: intron variant.
Genome position (GRCh38, 1-based): chr6:31,946,987, C>G. VCF-style: chr6-31946987-C-G. GRCh37 (hg19) VCF-style: chr6-31914764-C-G.
Identifiers: ClinVar variation 2803421 (VCV002803421.3), dbSNP rs1301065713, ClinGen allele CA566693421.